The following is an entry in ClinVar:

NM_022455.5(NSD1):c.6463+250C>A

Gene: NSD1 (nuclear receptor binding SET domain protein 1; plus strand). Cytogenetic location: 5q35.3.
Variant type: single nucleotide variant.
Coding change: c.6463+250C>A on transcript NM_022455.5 (MANE Select); 250 bases into the intron after coding-DNA position 6463, C replaced by A.
Molecular consequence: intron variant.
Genome position (GRCh38, 1-based): chr5:177,292,408, C>A. VCF-style: chr5-177292408-C-A. GRCh37 (hg19) VCF-style: chr5-176719409-C-A.
Other names: c.6463+250C>A (NM_001409301.1, NM_001409302.1, NM_001409303.1); c.6043+250C>A (NM_001409304.1); c.5710+250C>A (NM_001409305.1); c.5701+250C>A (NM_001409306.1, NM_001409307.1); c.5590+250C>A (NM_001409308.1, NM_172349.5, NM_001365684.2); c.5341+250C>A (NM_001409309.1).
Identifiers: ClinVar variation 673609 (VCV000673609.1), dbSNP rs537540896, ClinGen allele CA132861671.

ClinVar aggregate classification (germline): Likely benign (1 of 4 stars; one submission).

Allele frequency attached by ClinVar (database versions not stated): 1000 Genomes Project 30x 0.00062; 1000 Genomes Project 0.00080; TOPMed 0.00266; gnomAD 0.00621.
gnomAD v4.1: 534 of 152,268 alleles (0.35%); highest among the groups gnomAD compares: Non-Finnish European, 0.56%; 1 homozygote.

Submission:

GeneDx
Classification: Likely benign. Last evaluated: 2018-06-16. Review status: criteria provided, single submitter. Criteria: GeneDx Variant Classification (06012015). Collection method: clinical testing. Allele origin: germline. Affected: yes.
Comment: This variant is considered likely benign or benign based on one or more of the following criteria: it is a conservative change, it occurs at a poorly conserved position in the protein, it is predicted to be benign by multiple in silico algorithms, and/or has population frequency not consistent with disease.